The following is an entry in ClinVar:

NM_198428.3(BBS9):c.1951C>G (p.His651Asp)

Gene: BBS9 (Bardet-Biedl syndrome 9; plus strand). Cytogenetic location: 7p14.3.
Variant type: single nucleotide variant.
Coding change: c.1951C>G on transcript NM_198428.3 (MANE Select); coding-DNA position 1951, C replaced by G.
Protein change: p.His651Asp; replaces histidine 651 with aspartic acid.
Molecular consequence: missense variant. On other transcripts: non-coding transcript variant (3).
Genome position (GRCh38, 1-based): chr7:33,383,827, C>G. VCF-style: chr7-33383827-C-G. GRCh37 (hg19) VCF-style: chr7-33423439-C-G.
Other names: c.1846C>G, p.His616Asp (NM_001033604.2); c.1936C>G, p.His646Asp (NM_001033605.2); c.1951C>G, p.His651Asp (NM_001348036.1, NM_001348041.4, NM_001348043.3 and 3 more transcripts); c.1585C>G, p.His529Asp (NM_001348037.3, NM_001348045.3, NM_001348046.3); c.1678C>G, p.His560Asp (NM_001348038.3); c.1573C>G, p.His525Asp (NM_001348039.3); c.1831C>G, p.His611Asp (NM_001348040.3, NM_014451.4); c.1816C>G, p.His606Asp (NM_001348042.3); and 1 more; short protein forms H529D, H560D, H651D, H606D, H494D, H525D, H611D, H616D.
Identifiers: ClinVar variation 2096583 (VCV002096583.4), dbSNP rs2536328645, ClinGen allele CA367253497.

ClinVar aggregate classification (germline): Uncertain significance (1 of 4 stars; one submission).

Conditions:
Bardet-Biedl syndrome (BBS). Identifiers: Orphanet 110, MedGen C0752166, MONDO:0015229.

Submission:

Labcorp Genetics (formerly Invitae), Labcorp
Classification: Uncertain significance for Bardet-Biedl syndrome. Last evaluated: 2023-11-27. Review status: criteria provided, single submitter. Criteria: Invitae Variant Classification Sherloc (09022015). Collection method: clinical testing. Allele origin: germline.
Comment: This sequence change replaces histidine, which is basic and polar, with aspartic acid, which is acidic and polar, at codon 651 of the BBS9 protein (p.His651Asp). This variant is not present in population databases (gnomAD no frequency). This variant has not been reported in the literature in individuals affected with BBS9-related conditions. ClinVar contains an entry for this variant (Variation ID: 2096583). Advanced modeling of protein sequence and biophysical properties (such as structural, functional, and spatial information, amino acid conservation, physicochemical variation, residue mobility, and thermodynamic stability) performed at Invitae indicates that this missense variant is not expected to disrupt BBS9 protein function with a negative predictive value of 80%. In summary, the available evidence is currently insufficient to determine the role of this variant in disease. Therefore, it has been classified as a Variant of Uncertain Significance.